The following is an entry in ClinVar:

ClinVar aggregate classification (germline): Uncertain significance. Review status: criteria provided, multiple submitters, no conflicts (2 of 4 stars). 2 submissions from 2 submitters: Uncertain significance (2). Last evaluated 2024-10-01.

Conditions:
Landau-Kleffner syndrome (FESD). Also called: APHASIA, ACQUIRED, WITH EPILEPSY; EPILEPSY, FOCAL, WITH SPEECH DISORDER AND WITH OR WITHOUT MENTAL RETARDATION. Identifiers: Orphanet 1945, Orphanet 725, Orphanet 98818, MedGen C0282512, MONDO:0009509, OMIM 245570.

Submissions (2):

GeneDx
Classification: Uncertain significance. Last evaluated: 2024-10-01. Review status: criteria provided, single submitter. Criteria: GeneDx Variant Classification Process June 2021. Collection method: clinical testing. Allele origin: germline. Affected: yes.
Comment: Not observed at significant frequency in large population cohorts (gnomAD); In silico analysis indicates that this missense variant does not alter protein structure/function; Has not been previously published as pathogenic or benign to our knowledge

Labcorp Genetics (formerly Invitae), Labcorp
Classification: Uncertain significance for Landau-Kleffner syndrome. Last evaluated: 2023-11-13. Review status: criteria provided, single submitter. Criteria: Invitae Variant Classification Sherloc (09022015). Collection method: clinical testing. Allele origin: germline.
Comment: This sequence change replaces serine, which is neutral and polar, with glycine, which is neutral and non-polar, at codon 1334 of the GRIN2A protein (p.Ser1334Gly). This variant is not present in population databases (gnomAD no frequency). This variant has not been reported in the literature in individuals affected with GRIN2A-related conditions. Advanced modeling of protein sequence and biophysical properties (such as structural, functional, and spatial information, amino acid conservation, physicochemical variation, residue mobility, and thermodynamic stability) performed at Invitae indicates that this missense variant is not expected to disrupt GRIN2A protein function with a negative predictive value of 95%. In summary, the available evidence is currently insufficient to determine the role of this variant in disease. Therefore, it has been classified as a Variant of Uncertain Significance.

NM_001134407.3(GRIN2A):c.4000A>G (p.Ser1334Gly)

Gene: GRIN2A (glutamate ionotropic receptor NMDA type subunit 2A; minus strand). Cytogenetic location: 16p13.2.
Variant type: single nucleotide variant.
Coding change: c.4000A>G on transcript NM_001134407.3 (MANE Select); coding-DNA position 4000, A replaced by G.
Protein change: p.Ser1334Gly; replaces serine 1334 with glycine.
Molecular consequence: missense variant. On other transcripts: intron variant (1).
Genome position (GRCh38, 1-based): chr16:9,763,544, T>C on the plus strand (A>G on the coding strand, the complement: GRIN2A is on the minus strand). VCF-style: chr16-9763544-T-C. GRCh37 (hg19) VCF-style: chr16-9857401-T-C.
Other names: c.4000A>G (NM_000833.3); c.4000A>G, p.Ser1334Gly (NM_000833.5); c.3773-116A>G (NM_001134408.2); short protein forms S1334G.
Identifiers: ClinVar variation 2695479 (VCV002695479.4), dbSNP rs2141127662, ClinGen allele CA394706386.